The following is an entry in ClinVar:

NM_005733.3(KIF20A):c.1571T>C (p.Ile524Thr)

Gene: KIF20A (kinesin family member 20A; plus strand). Cytogenetic location: 5q31.2.
Variant type: single nucleotide variant.
Coding change: c.1571T>C on transcript NM_005733.3 (MANE Select); coding-DNA position 1571, T replaced by C.
Protein change: p.Ile524Thr; replaces isoleucine 524 with threonine.
Molecular consequence: missense variant.
Genome position (GRCh38, 1-based): chr5:138,184,564, T>C. VCF-style: chr5-138184564-T-C. GRCh37 (hg19) VCF-style: chr5-137520253-T-C.
Other names: c.1571T>C (NM_005733.2); short protein forms I524T.
Identifiers: ClinVar variation 1431549 (VCV001431549.7), dbSNP rs548009668, ClinGen allele CA3426649.
Genomic context (GRCh38, chr5:138,184,564, plus strand): 5'-CCCTCTAGCTTGTGCATGCCCCACCTATGCAACTGGGATTCCCATCCCTGCACTCGTTCA[T>C]CAAGGAACATAGTCTTCAGGTATCCCCCAGCTTAGAGAAAGGGGCTAAGGCAGACACAGG-3'
Protein context (NP_005724.1, residues 514-534): QLGFPSLHSF[Ile524Thr]KEHSLQVSPS

ClinVar aggregate classification (germline): Uncertain significance. Review status: criteria provided, multiple submitters, no conflicts (2 of 4 stars). 2 submissions from 2 submitters: Uncertain significance (2). Last evaluated 2025-11-13.

Allele frequency attached by ClinVar (database versions not stated): gnomAD exomes 0.00002; ExAC 0.00003; gnomAD 0.00008; TOPMed 0.00015.
gnomAD v4.1: 42 of 1,614,050 alleles (0.0026%); highest among the groups gnomAD compares: Admixed American, 0.015%; no homozygotes.

Submissions (2):

Labcorp Genetics (formerly Invitae), Labcorp
Classification: Uncertain significance. Last evaluated: 2025-11-13. Review status: criteria provided, single submitter. Criteria: Invitae Variant Classification Sherloc (09022015). Collection method: clinical testing. Allele origin: germline.
Comment: This sequence change replaces isoleucine, which is neutral and non-polar, with threonine, which is neutral and polar, at codon 524 of the KIF20A protein (p.Ile524Thr). This variant is present in population databases (rs548009668, gnomAD 0.005%). This variant has not been reported in the literature in individuals affected with KIF20A-related conditions. ClinVar contains an entry for this variant (Variation ID: 1431549). An algorithm developed to predict the effect of missense changes on protein structure and function (PolyPhen-2) suggests that this variant is likely to be tolerated. In summary, the available evidence is currently insufficient to determine the role of this variant in disease. Therefore, it has been classified as a Variant of Uncertain Significance.

Ambry Genetics
Classification: Uncertain significance. Last evaluated: 2023-11-13. Review status: criteria provided, single submitter. Criteria: Ambry Variant Classification Scheme 2023. Collection method: clinical testing. Allele origin: germline.